The following is an entry in ClinVar:

ClinVar aggregate classification (germline): Uncertain significance. Review status: criteria provided, multiple submitters, no conflicts (2 of 4 stars). 2 submissions from 2 submitters: Uncertain significance (2). Last evaluated 2025-07-13.

Conditions:
EGFR-related lung cancer (EGFR). Identifiers: MedGen CN130014.
Hereditary cancer-predisposing syndrome. Also called: Hereditary Cancer Syndrome; Hereditary neoplastic syndrome; Neoplastic Syndromes, Hereditary; Tumor predisposition. Identifiers: Orphanet 140162, MedGen C0027672, MeSH D009386, MONDO:0015356.

gnomAD v4.1: 4 of 1,614,254 alleles (0.00025%); highest among the groups gnomAD compares: Non-Finnish European, 0.00034%; no homozygotes.

Submissions (2):

Ambry Genetics
Classification: Uncertain significance for Hereditary cancer-predisposing syndrome. Last evaluated: 2025-07-13. Review status: criteria provided, single submitter. Criteria: Ambry Variant Classification Scheme 2023. Collection method: clinical testing. Allele origin: germline.
Comment: The p.K357I variant (also known as c.1070A>T), located in coding exon 9 of the EGFR gene, results from an A to T substitution at nucleotide position 1070. The lysine at codon 357 is replaced by isoleucine, an amino acid with dissimilar properties. This amino acid position is conserved. In addition, this alteration is predicted to be tolerated by in silico analysis. Based on the available evidence, the clinical significance of this variant remains unclear.

Labcorp Genetics (formerly Invitae), Labcorp
Classification: Uncertain significance for EGFR-related lung cancer. Last evaluated: 2025-03-04. Review status: criteria provided, single submitter. Criteria: Invitae Variant Classification Sherloc (09022015). Collection method: clinical testing. Allele origin: germline.
Comment: This sequence change replaces lysine, which is basic and polar, with isoleucine, which is neutral and non-polar, at codon 357 of the EGFR protein (p.Lys357Ile). This variant is present in population databases (no rsID available, gnomAD 0.0009%). This variant has not been reported in the literature in individuals affected with EGFR-related conditions. Invitae Evidence Modeling of protein sequence and biophysical properties (such as structural, functional, and spatial information, amino acid conservation, physicochemical variation, residue mobility, and thermodynamic stability) indicates that this missense variant is expected to disrupt EGFR protein function with a positive predictive value of 80%. In summary, the available evidence is currently insufficient to determine the role of this variant in disease. Therefore, it has been classified as a Variant of Uncertain Significance.

NM_005228.5(EGFR):c.1070A>T (p.Lys357Ile)

Genes: EGFR (epidermal growth factor receptor; plus strand), LOC126860048 (P300/CBP strongly-dependent group 1 enhancer GRCh37_chr7:55223847-55225046; plus strand). Cytogenetic location: 7p11.2.
Variant type: single nucleotide variant.
Coding change: c.1070A>T on transcript NM_005228.5 (MANE Select); coding-DNA position 1070, A replaced by T.
Protein change: p.Lys357Ile; replaces lysine 357 with isoleucine.
Molecular consequence: missense variant.
Genome position (GRCh38, 1-based): chr7:55,156,596, A>T. VCF-style: chr7-55156596-A-T. GRCh37 (hg19) VCF-style: chr7-55224289-A-T.
Other names: c.935A>T, p.Lys312Ile (NM_001346897.2, NM_001346899.2); c.1070A>T, p.Lys357Ile (NM_001346898.2, NM_201282.2, NM_201283.2 and 1 more transcripts); c.911A>T, p.Lys304Ile (NM_001346900.2); c.269A>T, p.Lys90Ile (NM_001346941.2); short protein forms K357I, K312I, K304I, K90I.
Identifiers: ClinVar variation 4247300 (VCV004247300.2).